The following is an entry in ClinVar:

NM_001367624.2(ZNF469):c.9462C>T (p.Gly3154=)

Gene: ZNF469 (zinc finger protein 469; plus strand). Cytogenetic location: 16q24.2.
Variant type: single nucleotide variant.
Coding change: c.9462C>T on transcript NM_001367624.2 (MANE Select); coding-DNA position 9462, C replaced by T.
Protein change: p.Gly3154=; no amino-acid change (glycine 3154 retained).
Molecular consequence: synonymous variant.
Genome position (GRCh38, 1-based): chr16:88,436,932, C>T. VCF-style: chr16-88436932-C-T. GRCh37 (hg19) VCF-style: chr16-88503340-C-T.
Other names: NM_001127464.1:c.9378C>T; NM_001127464.2:c.9378C>T.
Identifiers: ClinVar variation 1216127 (VCV001216127.12), dbSNP rs759941304, ClinGen allele CA8225434.
Genomic context (GRCh38, chr16:88,436,932, plus strand): 5'-GCTGGCCCACACGCCCGCGCCGCCGCCCACCTGCTACATGTGCGTGGAGCGCAGGTTTGG[C>T]TCGCGGGAGCTGCTGCGGGGGCACCTGCAGGAGAGGCACGCGCAGAGCAAGGCCGGGCCC-3'
Protein context (NP_001354553.1, residues 3144-3164): TCYMCVERRF[Gly3154=]SRELLRGHLQ

ClinVar aggregate classification (germline): Likely benign. Review status: criteria provided, multiple submitters, no conflicts (2 of 4 stars). 6 submissions from 6 submitters: Likely benign (5). 1 of the submissions does not count toward it. Last evaluated 2026-01-26.

Conditions:
ZNF469-related disorder. Also called: ZNF469-related condition.
Cardiovascular phenotype. Identifiers: MedGen CN230736.

Allele frequency attached by ClinVar (database versions not stated): gnomAD exomes 0.00006; gnomAD 0.00021 and 0.00023; TOPMed 0.00025; 1000 Genomes Project 30x 0.00047.
gnomAD v4.1: 54 of 1,492,630 alleles (0.0036%); highest among the groups gnomAD compares: African/African-American, 0.065%; no homozygotes.

Submissions (6):

Labcorp Genetics (formerly Invitae), Labcorp
Classification: Likely benign. Last evaluated: 2026-01-26. Review status: criteria provided, single submitter. Criteria: Invitae Variant Classification Sherloc (09022015). Collection method: clinical testing. Allele origin: germline.

Women's Health and Genetics/Laboratory Corporation of America, LabCorp
Classification: Likely benign. Last evaluated: 2026-01-19. Review status: criteria provided, single submitter. Criteria: LabCorp Variant Classification Summary - May 2015. Collection method: clinical testing. Allele origin: germline.

Blueprint Genetics
Classification: Likely benign. Last evaluated: 2023-06-16. Review status: criteria provided, single submitter. Criteria: ACMG Guidelines, 2015. Collection method: clinical testing. Allele origin: germline.

Ambry Genetics
Classification: Likely benign for Cardiovascular phenotype. Last evaluated: 2022-02-17. Review status: criteria provided, single submitter. Criteria: Ambry Variant Classification Scheme 2023. Collection method: clinical testing. Allele origin: germline.

GeneDx
Classification: Likely benign. Last evaluated: 2020-10-14. Review status: criteria provided, single submitter. Criteria: GeneDx Variant Classification Process June 2021. Collection method: clinical testing. Allele origin: germline. Affected: yes.

PreventionGenetics, part of Exact Sciences
Classification: Likely benign for ZNF469-related condition. Last evaluated: 2019-02-22. Review status: no assertion criteria provided. Collection method: clinical testing. Allele origin: germline. Not counted in ClinVar's aggregate classification.
Comment: This variant is classified as likely benign based on ACMG/AMP sequence variant interpretation guidelines (Richards et al. 2015 PMID: 25741868, with internal and published modifications).